The following is an entry in ClinVar:

NM_001540.5(HSPB1):c.365-6C>G

Gene: HSPB1 (heat shock protein family B (small) member 1; plus strand). Cytogenetic location: 7q11.23.
Variant type: single nucleotide variant.
Coding change: c.365-6C>G on transcript NM_001540.5 (MANE Select); 6 bases into the intron before coding-DNA position 365, C replaced by G.
Molecular consequence: intron variant.
Genome position (GRCh38, 1-based): chr7:76,303,796, C>G. VCF-style: chr7-76303796-C-G. GRCh37 (hg19) VCF-style: chr7-75933113-C-G.
Other names: c.365-6C>G (LRG_248t1).
Identifiers: ClinVar variation 533816 (VCV000533816.29), dbSNP rs200902768, ClinGen allele CA4306358.

ClinVar aggregate classification (germline): Conflicting classifications of pathogenicity. Review status: criteria provided, conflicting classifications (1 of 4 stars). 8 submissions from 7 submitters: Uncertain significance (1); Benign (1); Likely benign (5). 1 of the submissions does not count toward it. Last evaluated 2025-08-20.

Conditions:
Charcot-Marie-Tooth disease type 4. Also called: Charcot-Marie-Tooth disease, type IV; Charcot-Marie-Tooth, Type 4. Identifiers: Orphanet 64749, MedGen C4082197, MONDO:0018995.
HSPB1-related disorder. Also called: HSPB1-related disorders; HSPB1-related condition.
Charcot-Marie-Tooth disease axonal type 2F (CMT2F). Also called: Charcot-Marie-Tooth Neuropathy Type 2F; CHARCOT-MARIE-TOOTH DISEASE, NEURONAL, TYPE 2F. Identifiers: Orphanet 99940, MedGen C1847823, MONDO:0011687, OMIM 606595.
Neuronopathy, distal hereditary motor, type 2B. Also called: NEURONOPATHY, DISTAL HEREDITARY MOTOR, AUTOSOMAL DOMINANT 3; NEURONOPATHY, DISTAL HEREDITARY MOTOR, HARDING TYPE IIB; NEUROPATHY, DISTAL HEREDITARY MOTOR, HARDING TYPE IIB; HMN IIB. Identifiers: Orphanet 139525, MedGen C2608087, MONDO:0012080, OMIM 608634.
Charcot-Marie-Tooth disease. Also called: Charcot-Marie-Tooth Neuropathy; Charcot-Marie-Tooth Hereditary Neuropathy. Identifiers: Orphanet 166, MedGen C0007959, MONDO:0015626.

Allele frequency attached by ClinVar (database versions not stated): TOPMed 0.00009; ESP Exome Variant Server 0.00015; 1000 Genomes Project 0.00020; 1000 Genomes Project 30x 0.00031.
gnomAD v4.1: 142 of 1,611,060 alleles (0.0088%); highest among the groups gnomAD compares: Middle Eastern, 0.067%; 1 homozygote.

Submissions (9):

PreventionGenetics, part of Exact Sciences
Classification: Likely benign for HSPB1-related condition. Last evaluated: 2025-08-20. Review status: criteria provided, single submitter. Criteria: ACMG Guidelines, 2015. Collection method: clinical testing. Allele origin: germline.
Comment: This variant is classified as likely benign based on ACMG/AMP sequence variant interpretation guidelines (Richards et al. 2015 PMID: 25741868, with internal and published modifications).

CeGaT Center for Human Genetics Tuebingen
Classification: Likely benign. Last evaluated: 2025-06-01. Review status: criteria provided, single submitter. Criteria: CeGaT Center For Human Genetics Tuebingen Variant Classification Criteria Version 2. Collection method: clinical testing. Allele origin: germline. Affected: yes. Observed: 1 variant allele.
Comment: HSPB1: BP4

Laboratory of Genetics, Children's Clinical University Hospital Latvia
Classification: Likely benign. Last evaluated: 2025-02-16. Review status: criteria provided, single submitter. Criteria: ACMG Guidelines, 2015. Collection method: clinical testing. Allele origin: germline. Affected: yes.

Labcorp Genetics (formerly Invitae), Labcorp
Classification: Likely benign for Charcot-Marie-Tooth disease axonal type 2F. Last evaluated: 2025-02-11. Review status: criteria provided, single submitter. Criteria: Invitae Variant Classification Sherloc (09022015). Collection method: clinical testing. Allele origin: germline.

Illumina Laboratory Services, Illumina
Classification: Benign for Neuronopathy, distal hereditary motor, type 2B. Last evaluated: 2018-01-13. Review status: criteria provided, single submitter. Criteria: ICSL Variant Classification Criteria 13 December 2019. Collection method: clinical testing. Allele origin: germline.
Comment: This variant was observed in the ICSL laboratory as part of a predisposition screen in an ostensibly healthy population. It had not been previously curated by ICSL or reported in the Human Gene Mutation Database (HGMD: prior to June 1st, 2018), and was therefore a candidate for classification through an automated scoring system. Utilizing variant allele frequency, disease prevalence and penetrance estimates, and inheritance mode, an automated score was calculated to assess if this variant is too frequent to cause the disease. Based on the score and internal cut-off values, a variant classified as benign is not then subjected to further curation. The score for this variant resulted in a classification of benign for this disease.

Illumina Laboratory Services, Illumina
Classification: Likely benign for Charcot-Marie-Tooth disease axonal type 2F. Last evaluated: 2018-01-13. Review status: criteria provided, single submitter. Criteria: ICSL Variant Classification Criteria 13 December 2019. Collection method: clinical testing. Allele origin: germline.
Comment: This variant was observed in the ICSL laboratory as part of a predisposition screen in an ostensibly healthy population. It had not been previously curated by ICSL or reported in the Human Gene Mutation Database (HGMD: prior to June 1st, 2018), and was therefore a candidate for classification through an automated scoring system. Utilizing variant allele frequency, disease prevalence and penetrance estimates, and inheritance mode, an automated score was calculated to assess if this variant is too frequent to cause the disease. Based on the score and internal cut-off values, a variant classified as likely benign is not then subjected to further curation. The score for this variant resulted in a classification of likely benign for this disease.

Molecular Genetics Laboratory, London Health Sciences Centre
Classification: Uncertain significance for Charcot-Marie-Tooth disease. Review status: criteria provided, single submitter. Criteria: ACMG Guidelines, 2015. Collection method: clinical testing. Allele origin: germline. Affected: yes.

Genesis Genome Database
Classification: Uncertain significance for Charcot-Marie-Tooth disease type 4. Last evaluated: 2019-08-14. Review status: no assertion criteria provided. Collection method: research. Allele origin: germline. Affected: yes. Not counted in ClinVar's aggregate classification.

Dr. Peter K. Rogan Lab, Western University
No classification provided (evidence only). Condition: Ovarian cancer. Review status: no classification provided. Collection method: in vitro. Allele origin: not applicable. Functional consequence: retained intron. Not counted in ClinVar's aggregate classification.